The following is an entry in ClinVar:

NM_000535.7(PMS2):c.1912C>T (p.Gln638Ter)

Gene: PMS2 (PMS1 homolog 2, mismatch repair system component; minus strand). Cytogenetic location: 7p22.1.
Variant type: single nucleotide variant.
Coding change: c.1912C>T on transcript NM_000535.7 (MANE Select); coding-DNA position 1912, C replaced by T.
Protein change: p.Gln638Ter; replaces glutamine 638 with a stop codon.
Molecular consequence: nonsense. On other transcripts: non-coding transcript variant (1).
Genome position (GRCh38, 1-based): chr7:5,986,853, G>A on the plus strand (C>T on the coding strand, the complement: PMS2 is on the minus strand). VCF-style: chr7-5986853-G-A. GRCh37 (hg19) VCF-style: chr7-6026484-G-A.
Other names: c.1507C>T, p.Gln503Ter (NM_001322003.2, NM_001322004.2, NM_001322005.2 and 1 more transcripts); c.1756C>T, p.Gln586Ter (NM_001322006.2); c.1594C>T, p.Gln532Ter (NM_001322007.2, NM_001322008.2); c.1351C>T, p.Gln451Ter (NM_001322010.2); c.979C>T, p.Gln327Ter (NM_001322011.2, NM_001322012.2); c.1339C>T, p.Gln447Ter (NM_001322013.2); c.1912C>T, p.Gln638Ter (NM_001322014.2); c.1603C>T, p.Gln535Ter (NM_001322015.2); short protein forms Q638*, Q503*, Q586*, Q447*, Q535*, Q327*, Q451*, Q532*.
Identifiers: ClinVar variation 411084 (VCV000411084.50), dbSNP rs764342199, ClinGen allele CA16612252.

ClinVar aggregate classification (germline): Pathogenic. Review status: criteria provided, multiple submitters, no conflicts (2 of 4 stars). 2 submissions from 2 submitters: Pathogenic (2). Last evaluated 2017-03-10.

Conditions:
Hereditary cancer-predisposing syndrome. Also called: Tumor predisposition; Hereditary Cancer Syndrome; Hereditary neoplastic syndrome; Neoplastic Syndromes, Hereditary. Identifiers: Orphanet 140162, MedGen C0027672, MeSH D009386, MONDO:0015356.
Hereditary nonpolyposis colorectal neoplasms. Identifiers: MedGen C0009405, MeSH D003123.

Submissions (2):

Ambry Genetics
Classification: Pathogenic for Hereditary cancer-predisposing syndrome. Last evaluated: 2017-03-10. Review status: criteria provided, single submitter. Criteria: Ambry Variant Classification Scheme 2023. Collection method: clinical testing. Allele origin: germline.
Comment: The p.Q638* pathogenic mutation (also known as c.1912C>T), located in coding exon 11 of the PMS2 gene, results from a C to T substitution at nucleotide position 1912. This changes the amino acid from a glutamine to a stop codon within coding exon 11. This alteration is expected to result in loss of function by premature protein truncation or nonsense-mediated mRNA decay. As such, this alteration is interpreted as a disease-causing mutation.

Labcorp Genetics (formerly Invitae), Labcorp
Classification: Pathogenic for Hereditary nonpolyposis colorectal neoplasms. Last evaluated: 2016-08-12. Review status: criteria provided, single submitter. Criteria: Invitae Variant Classification Sherloc (09022015). Collection method: clinical testing. Allele origin: germline.
Comment: This sequence change creates a premature translational stop signal at codon 638 (p.Gln638*) of the PMS2 gene. It is expected to result in an absent or disrupted protein product. While this particular variant has not been reported in the literature, loss-of-function variants in PMS2 are known to be pathogenic (PMID: 21376568, 24362816). For these reasons, this variant has been classified as Pathogenic.

Literature cited by the submitters: PubMed 21376568 (cited by Labcorp Genetics (formerly Invitae), Labcorp); PubMed 24362816 (cited by Labcorp Genetics (formerly Invitae), Labcorp).